The following is an entry in ClinVar:

NM_000268.4(NF2):c.22C>A (p.Arg8Ser)

Gene: NF2 (NF2, moesin-ezrin-radixin like (MERLIN) tumor suppressor; plus strand). Cytogenetic location: 22q12.2.
Variant type: single nucleotide variant.
Coding change: c.22C>A on transcript NM_000268.4 (MANE Select); coding-DNA position 22, C replaced by A.
Protein change: p.Arg8Ser; replaces arginine 8 with serine.
Molecular consequence: missense variant. On other transcripts: non-coding transcript variant (1).
Genome position (GRCh38, 1-based): chr22:29,604,020, C>A. VCF-style: chr22-29604020-C-A. GRCh37 (hg19) VCF-style: chr22-30000009-C-A.
Other names: c.-209C>A (NM_001407053.1, NM_001407056.1); c.22C>A, p.Arg8Ser (NM_001407054.1, NM_001407055.1, NM_001407057.1 and 15 more transcripts); c.-619C>A (NM_001407065.1); c.-235C>A (NM_001407067.1); short protein forms R8S.
Identifiers: ClinVar variation 1789255 (VCV001789255.4), dbSNP rs868416935, ClinGen allele CA323099679.

ClinVar aggregate classification (germline): Conflicting classifications of pathogenicity. Review status: criteria provided, conflicting classifications (1 of 4 stars). 2 submissions from 2 submitters: Uncertain significance (1); Likely benign (1). Last evaluated 2024-05-09.

Conditions:
Hereditary cancer-predisposing syndrome. Also called: Tumor predisposition; Neoplastic Syndromes, Hereditary; Hereditary Cancer Syndrome; Hereditary neoplastic syndrome. Identifiers: Orphanet 140162, MedGen C0027672, MeSH D009386, MONDO:0015356.
Neurofibromatosis, type 2 (SWNV). Also called: NF2-Related Schwannomatosis; SCHWANNOMATOSIS, VESTIBULAR; BILATERAL ACOUSTIC NEUROFIBROMATOSIS. Identifiers: Orphanet 637, MedGen C0027832, MONDO:0007039, OMIM 101000. Disease mechanism: loss of function.

Allele frequency attached by ClinVar (database versions not stated): TOPMed below 0.00001; gnomAD exomes 0.00001.
gnomAD v4.1: 9 of 1,594,312 alleles (0.00056%); highest among the groups gnomAD compares: Non-Finnish European, 0.00068%; no homozygotes.

Submissions (2):

All of Us Research Program, National Institutes of Health
Classification: Uncertain significance for Neurofibromatosis, type 2. Last evaluated: 2024-05-09. Review status: criteria provided, single submitter. Criteria: ACMG Guidelines, 2015. Collection method: clinical testing. Allele origin: germline. Inheritance: Autosomal dominant inheritance. Observed: 4 variant alleles, 4 heterozygotes.
Comment: This study involves interpretation of variants in research participants for the purpose of population health screening. Participant phenotype was not available at the time of variant classification. Additional details can be found in publication PMID: 35346344, PMCID: PMC8962531

Ambry Genetics
Classification: Likely benign for Hereditary cancer-predisposing syndrome. Last evaluated: 2022-02-15. Review status: criteria provided, single submitter. Criteria: Ambry Variant Classification Scheme 2023. Collection method: clinical testing. Allele origin: germline.